The following is an entry in ClinVar:

NM_000435.3(NOTCH3):c.289G>A (p.Val97Met)

Gene: NOTCH3 (notch receptor 3; minus strand). Cytogenetic location: 19p13.12.
Variant type: single nucleotide variant.
Coding change: c.289G>A on transcript NM_000435.3 (MANE Select); coding-DNA position 289, G replaced by A.
Protein change: p.Val97Met; replaces valine 97 with methionine.
Molecular consequence: missense variant.
Genome position (GRCh38, 1-based): chr19:15,192,428, C>T on the plus strand (G>A on the coding strand, the complement: NOTCH3 is on the minus strand). VCF-style: chr19-15192428-C-T. GRCh37 (hg19) VCF-style: chr19-15303239-C-T.
Other names: short protein forms V97M.
Identifiers: ClinVar variation 2888754 (VCV002888754.3), dbSNP rs2046937349, ClinGen allele CA404534917.

ClinVar aggregate classification (germline): Uncertain significance (1 of 4 stars; one submission).

Allele frequency attached by ClinVar (database versions not stated): gnomAD exomes below 0.00001.

Submission:

Labcorp Genetics (formerly Invitae), Labcorp
Classification: Uncertain significance. Last evaluated: 2023-08-16. Review status: criteria provided, single submitter. Criteria: Invitae Variant Classification Sherloc (09022015). Collection method: clinical testing. Allele origin: germline.
Comment: In summary, the available evidence is currently insufficient to determine the role of this variant in disease. Therefore, it has been classified as a Variant of Uncertain Significance. Advanced modeling of protein sequence and biophysical properties (such as structural, functional, and spatial information, amino acid conservation, physicochemical variation, residue mobility, and thermodynamic stability) performed at Invitae indicates that this missense variant is not expected to disrupt NOTCH3 protein function. This variant has not been reported in the literature in individuals affected with NOTCH3-related conditions. This variant is not present in population databases (gnomAD no frequency). This sequence change replaces valine, which is neutral and non-polar, with methionine, which is neutral and non-polar, at codon 97 of the NOTCH3 protein (p.Val97Met).